The following is an entry in ClinVar:

NM_000038.6(APC):c.7966_7968delinsTA (p.Glu2655_Asp2656insTer)

Gene: APC (APC regulator of Wnt signaling pathway; plus strand). Cytogenetic location: 5q22.2.
Variant type: Indel.
Coding change: c.7966_7968delinsTA on transcript NM_000038.6 (MANE Select); coding-DNA positions 7966 to 7968, GAT replaced by TA.
Protein change: p.Glu2655_Asp2656insTer.
Molecular consequence: nonsense. On other transcripts: non-coding transcript variant (2).
Genome position (GRCh38, 1-based): chr5:112,843,560-112,843,562, GAT replaced by TA. VCF-style: chr5-112843560-GAT-TA. GRCh37 (hg19) VCF-style: chr5-112179257-GAT-TA.
Other names: c.7966_7968delinsTA, p.Glu2655_Asp2656insTer (NM_001127510.3, NM_001354895.2, NM_001407450.1); c.7912_7914delinsTA, p.Glu2637_Asp2638insTer (NM_001127511.3); c.8020_8022delinsTA, p.Glu2673_Asp2674insTer (NM_001354896.2, NM_001407447.1, NM_001407448.1 and 1 more transcripts); c.7996_7998delinsTA, p.Glu2665_Asp2666insTer (NM_001354897.2); c.7891_7893delinsTA, p.Glu2630_Asp2631insTer (NM_001354898.2); c.7882_7884delinsTA, p.Glu2627_Asp2628insTer (NM_001354899.2); c.7843_7845delinsTA, p.Glu2614_Asp2615insTer (NM_001354900.2); c.7789_7791delinsTA, p.Glu2596_Asp2597insTer (NM_001354901.2, NM_001407453.1); and 11 more.
Identifiers: ClinVar variation 2583661 (VCV002583661.1), dbSNP rs2533833667, ClinGen allele CA2582341638.

ClinVar aggregate classification (germline): Pathogenic (1 of 4 stars; one submission).

Conditions:
Familial adenomatous polyposis 1 (FAP1). Also called: POLYPOSIS, ADENOMATOUS INTESTINAL; FAMILIAL ADENOMATOUS POLYPOSIS 1, ATTENUATED. Identifiers: MedGen C2713442, MONDO:0021056, OMIM 175100. Disease mechanism: loss of function.

Submission:

Myriad Genetics, Inc.
Classification: Pathogenic for Familial adenomatous polyposis 1. Last evaluated: 2023-05-16. Review status: criteria provided, single submitter. Criteria: Myriad Autosomal Dominant, Autosomal Recessive and X-Linked Classification Criteria (2023). Collection method: clinical testing. Allele origin: unknown.
Comment: This variant is considered pathogenic. This variant creates a termination codon and is predicted to result in premature protein truncation.